The following is an entry in ClinVar:

ClinVar aggregate classification (germline): Uncertain significance (1 of 4 stars; one submission).

Conditions:
Autosomal recessive ataxia, Beauce type. Also called: SYNE1-Related Autosomal Recessive Cerebellar Ataxia; Spinocerebellar ataxia, autosomal recessive 8; ATAXIA, RECESSIVE, OF BEAUCE; SYNE1 Deficiency. Identifiers: Orphanet 88644, MedGen C1853116, MONDO:0012549, OMIM 610743.
Emery-Dreifuss muscular dystrophy 4, autosomal dominant (EDMD4). Also called: EMERY-DREIFUSS MUSCULAR DYSTROPHY 4 WITH VARIABLE FEATURES. Identifiers: Orphanet 261, MedGen C2751807, MONDO:0013071, OMIM 612998.

Allele frequency attached by ClinVar (database versions not stated): gnomAD exomes below 0.00001; ExAC 0.00001.
gnomAD v4.1: 6 of 1,614,088 alleles (0.00037%); highest among the groups gnomAD compares: Non-Finnish European, 0.00017%; no homozygotes.

Submission:

Labcorp Genetics (formerly Invitae), Labcorp
Classification: Uncertain significance for Emery-Dreifuss muscular dystrophy 4, autosomal dominant; Autosomal recessive ataxia, Beauce type. Last evaluated: 2022-05-06. Review status: criteria provided, single submitter. Criteria: Invitae Variant Classification Sherloc (09022015). Collection method: clinical testing. Allele origin: germline.
Comment: This variant has not been reported in the literature in individuals affected with SYNE1-related conditions. This variant is present in population databases (rs772737595, gnomAD 0.01%). Algorithms developed to predict the effect of missense changes on protein structure and function are either unavailable or do not agree on the potential impact of this missense change (SIFT: "Deleterious"; PolyPhen-2: "Benign"; Align-GVGD: "Class C0"). In summary, the available evidence is currently insufficient to determine the role of this variant in disease. Therefore, it has been classified as a Variant of Uncertain Significance. This sequence change replaces serine, which is neutral and polar, with leucine, which is neutral and non-polar, at codon 8165 of the SYNE1 protein (p.Ser8165Leu).

NM_182961.4(SYNE1):c.24707C>T (p.Ser8236Leu)

Gene: SYNE1 (spectrin repeat containing nuclear envelope protein 1; minus strand). Cytogenetic location: 6q25.2.
Variant type: single nucleotide variant.
Coding change: c.24707C>T on transcript NM_182961.4 (MANE Select); coding-DNA position 24707, C replaced by T.
Protein change: p.Ser8236Leu; replaces serine 8236 with leucine.
Molecular consequence: missense variant.
Genome position (GRCh38, 1-based): chr6:152,148,314, G>A on the plus strand (C>T on the coding strand, the complement: SYNE1 is on the minus strand). VCF-style: chr6-152148314-G-A. GRCh37 (hg19) VCF-style: chr6-152469449-G-A.
Other names: c.1313C>T, p.Ser438Leu (NM_001347701.2); c.1172C>T, p.Ser391Leu (NM_001347702.2); c.24494C>T, p.Ser8165Leu (NM_033071.5); short protein forms S8165L, S8236L, S391L, S438L.
Identifiers: ClinVar variation 2159713 (VCV002159713.4), dbSNP rs772737595, ClinGen allele CA4053097.